The following is an entry in ClinVar:

NM_004855.5(PIGB):c.1215A>C (p.Leu405Phe)

Gene: PIGB (phosphatidylinositol glycan anchor biosynthesis class B; plus strand). Cytogenetic location: 15q21.3.
Variant type: single nucleotide variant.
Coding change: c.1215A>C on transcript NM_004855.5 (MANE Select); coding-DNA position 1215, A replaced by C.
Protein change: p.Leu405Phe; replaces leucine 405 with phenylalanine.
Molecular consequence: missense variant.
Genome position (GRCh38, 1-based): chr15:55,350,790, A>C. VCF-style: chr15-55350790-A-C. GRCh37 (hg19) VCF-style: chr15-55642988-A-C.
Other names: short protein forms L405F.
Identifiers: ClinVar variation 2023331 (VCV002023331.4), dbSNP rs780997014, ClinGen allele CA7574037.

ClinVar aggregate classification (germline): Uncertain significance (1 of 4 stars; one submission).

Submission:

Labcorp Genetics (formerly Invitae), Labcorp
Classification: Uncertain significance. Last evaluated: 2022-08-10. Review status: criteria provided, single submitter. Criteria: Invitae Variant Classification Sherloc (09022015). Collection method: clinical testing. Allele origin: germline.
Comment: This variant is not present in population databases (gnomAD no frequency). This variant has not been reported in the literature in individuals affected with PIGB-related conditions. Algorithms developed to predict the effect of missense changes on protein structure and function are either unavailable or do not agree on the potential impact of this missense change (SIFT: "Tolerated"; PolyPhen-2: "Probably Damaging"; Align-GVGD: "Class C0"). Algorithms developed to predict the effect of sequence changes on RNA splicing suggest that this variant may create or strengthen a splice site. In summary, the available evidence is currently insufficient to determine the role of this variant in disease. Therefore, it has been classified as a Variant of Uncertain Significance. This sequence change replaces leucine, which is neutral and non-polar, with phenylalanine, which is neutral and non-polar, at codon 405 of the PIGB protein (p.Leu405Phe).